The following is an entry in ClinVar:

NM_000135.4(FANCA):c.190-146_284-1082del

Gene: FANCA (FA complementation group A; minus strand). Cytogenetic location: 16q24.3.
Variant type: Deletion.
Coding change: c.190-146_284-1082del on transcript NM_000135.4 (MANE Select); 146 bases into the intron before coding-DNA position 190 through 1082 bases into the intron before coding-DNA position 284, 2,607 bases deleted.
Molecular consequence: splice acceptor variant, splice donor variant.
Genome position (GRCh38, 1-based): chr16:89,812,153-89,814,759, 2,607 bases deleted. GRCh37 (hg19): chr16:89,878,583-89,881,189.
Other names: c.190-146_284-1082del (NM_001286167.3, NM_001351830.2, NM_001018112.3).
Identifiers: ClinVar variation 973980 (VCV000973980.1), ClinGen allele CA1139664992.

ClinVar aggregate classification (germline): Pathogenic (0 of 4 stars; one submission).

Conditions:
Fanconi anemia complementation group A (FANCA). Also called: Fanconi anemia, group A; FANCA-Related Fanconi Anemia. Identifiers: Orphanet 84, MedGen C3469521, MONDO:0009215, OMIM 227650.

Submission:

Leiden Open Variation Database
Classification: Pathogenic for Fanconi anemia complementation group A. Last evaluated: 2020-02-28. Review status: no assertion criteria provided. Collection method: curation. Allele origin: germline. Affected: yes.
Comment: Curator: Arleen D. Auerbach. Submitter to LOVD: Arleen D. Auerbach.

Literature cited by the submitters: PubMed 25168418.